The following is an entry in ClinVar:

NM_001085487.3(MYSM1):c.410G>A (p.Gly137Asp)

Gene: MYSM1 (Myb like, SWIRM and MPN domains 1; minus strand). Cytogenetic location: 1p32.1.
Variant type: single nucleotide variant.
Coding change: c.410G>A on transcript NM_001085487.3 (MANE Select); coding-DNA position 410, G replaced by A.
Protein change: p.Gly137Asp; replaces glycine 137 with aspartic acid.
Molecular consequence: missense variant.
Genome position (GRCh38, 1-based): chr1:58,685,241, C>T on the plus strand (G>A on the coding strand, the complement: MYSM1 is on the minus strand). VCF-style: chr1-58685241-C-T. GRCh37 (hg19) VCF-style: chr1-59150913-C-T.
Other names: short protein forms G137D.
Identifiers: ClinVar variation 3661090 (VCV003661090.2).
Genomic context (GRCh38, chr1:58,685,241, plus strand): 5'-CTCTTCACTTGTAAAACAGTGCGGCTTCCAATTAGCTTTGAAATTTTGGTCCATCTTCGG[C>T]CAAATTTAGCCTGTATTATTAAAATGGGAAAAAAAATTGCTTTTGATGAATTTACTTAAG-3'
Protein context (NP_001078956.1, residues 127-147): ELFEQGLAKF[Gly137Asp]RRWTKISKLI

ClinVar aggregate classification (germline): Uncertain significance (1 of 4 stars; one submission).

Submission:

Labcorp Genetics (formerly Invitae), Labcorp
Classification: Uncertain significance. Last evaluated: 2024-08-06. Review status: criteria provided, single submitter. Criteria: Invitae Variant Classification Sherloc (09022015). Collection method: clinical testing. Allele origin: germline.
Comment: This sequence change replaces glycine, which is neutral and non-polar, with aspartic acid, which is acidic and polar, at codon 137 of the MYSM1 protein (p.Gly137Asp). This variant is not present in population databases (gnomAD no frequency). This variant has not been reported in the literature in individuals affected with MYSM1-related conditions. Advanced modeling of protein sequence and biophysical properties (such as structural, functional, and spatial information, amino acid conservation, physicochemical variation, residue mobility, and thermodynamic stability) performed at Invitae indicates that this missense variant is expected to disrupt MYSM1 protein function with a positive predictive value of 80%. In summary, the available evidence is currently insufficient to determine the role of this variant in disease. Therefore, it has been classified as a Variant of Uncertain Significance.